The following is an entry in ClinVar:

ClinVar aggregate classification (germline): Likely pathogenic (1 of 4 stars; one submission).

Conditions:
Tay-Sachs disease (TSD). Also called: HEXA DEFICIENCY; HEXA Disorders; GM2 gangliosidosis, type 1; Hexosaminidase alpha-subunit deficiency (variant B); Sphingolipidosis, Tay-Sachs; Hexosaminidase A Deficiency. Identifiers: Orphanet 845, MedGen C0039373, MONDO:0010100, OMIM 272800.

Submission:

Natera, Inc.
Classification: Likely pathogenic for Tay-Sachs disease. Last evaluated: 2024-02-27. Review status: criteria provided, single submitter. Criteria: Natera Variant Classification Schema (03/2026). Collection method: clinical testing. Allele origin: germline.
Comment: The c.571-8A>G variant in HEXA is an intronic variant located outside the canonical splice sites. This variant is rare in the general population with a frequency below the threshold expected for the associated phenotype(s). This variant has been observed in one or more individuals affected with the associated recessive disease, as either homozygous or compound heterozygous with a second variant (PMID: 22441121). This variant has been identified in one or more affected individuals with a phenotype highly consistent with the associated gene (PMID: 22441121). Computational prediction algorithms indicate this variant is likely to affect gene or protein function. Given the available evidence, this variant is classified as Likely Pathogenic.

Literature cited by the submitters: PubMed 22441121.

NM_000520.6(HEXA):c.571-8A>G

Gene: HEXA (hexosaminidase subunit alpha; minus strand). Cytogenetic location: 15q23.
Variant type: single nucleotide variant.
Coding change: c.571-8A>G on transcript NM_000520.6 (MANE Select); 8 bases into the intron before coding-DNA position 571, A replaced by G.
Molecular consequence: intron variant.
Genome position (GRCh38, 1-based): chr15:72,351,242, T>C on the plus strand (A>G on the coding strand, the complement: HEXA is on the minus strand). VCF-style: chr15-72351242-T-C. GRCh37 (hg19) VCF-style: chr15-72643583-T-C.
Other names: c.604-8A>G (NM_001318825.2).
Identifiers: ClinVar variation 4814264 (VCV004814264.1).
Genomic context (GRCh38, chr15:72,351,242, plus strand): 5'-TCATCTACCAGATGCCAGTGGAACACGTTCAATTTATTGTACGCCATGACATCCTGTAGG[T>C]TAAAGTGCACACTGTGAACCCATCACAGTCTCTCCGGTTTCAGCCTCAAACTTGCGATGT-3'